The following is an entry in ClinVar:

NM_139276.3(STAT3):c.1384GTG[1] (p.Val463del)

Gene: STAT3 (signal transducer and activator of transcription 3; minus strand). Cytogenetic location: 17q21.2.
Variant type: Microsatellite.
Coding change: c.1384GTG[1] on transcript NM_139276.3 (MANE Select); one copy of the 3-base unit GTG starting at c.1384; the reference has two copies in a row; one copy, 3 bases deleted.
Protein change: p.Val463del; deletes valine 463.
Molecular consequence: inframe deletion.
Genome position (GRCh38, 1-based): chr17:42,325,038-42,325,040, CAC deleted on the plus strand (GTG on the coding strand, the reverse complement: STAT3 is on the minus strand); deleting any 3 consecutive bases within chr17:42,325,038-42,325,043 gives the same sequence; the position shown is the placement nearest the transcript's 3' end. VCF-style (leftmost placement, unchanged base first): chr17-42325037-TCAC-T. GRCh37 (hg19) VCF-style: chr17-40477055-TCAC-T.
Other names: V463delV; c.1387_1389delGTG (NM_139276.2); c.1384GTG[1], p.Val463del (NM_001369512.1, NM_001369513.1, NM_001369514.1 and 11 more transcripts); c.1300GTG[1], p.Val435del (NM_001384984.1); c.1306GTG[1], p.Val437del (NM_001384985.1); c.1399GTG[1], p.Val468del (NM_001384986.1, NM_001384990.1); c.1288GTG[1], p.Val431del (NM_001384989.1); c.1324GTG[1], p.Val443del (NM_001384992.1); short protein forms V463del, V431del, V435del, V437del, V443del, V468del.
Identifiers: ClinVar variation 18303 (VCV000018303.13), dbSNP rs113994138, ClinGen allele CA341501.
Genomic context (GRCh38, chr17:42,325,037, plus strand): 5'-TCAGCATGTTGTACCACAGGATGGACGCCCAGGCATTTGGCATCTGACAGATGTTGGAGA[TCAC>T]CACAACTGGCAAGGAGTGGGTCTGCGGAGGGAGTGGGGACTGAGCTGGGGAGGCAGAGGG-3'

ClinVar aggregate classification (germline): Pathogenic. Review status: criteria provided, multiple submitters, no conflicts (2 of 4 stars). 5 submissions from 5 submitters: Pathogenic (3). 2 of the submissions do not count toward it. Last evaluated 2022-08-09.

Conditions:
STAT3 gain of function. Identifiers: MedGen C4288261.
Hyper-IgE recurrent infection syndrome 1, autosomal dominant. Also called: Job's Syndrome; STAT3 Hyper IgE Syndrome; HYPER-IgE SYNDROME 1, AUTOSOMAL DOMINANT, WITH RECURRENT INFECTIONS; JOB SYNDROME; Hyper-IgE recurrent infection syndrome 1. Identifiers: Orphanet 2314, MedGen C2936739, MONDO:0007818, OMIM 147060.

Submissions (5):

Labcorp Genetics (formerly Invitae), Labcorp
Classification: Pathogenic for STAT3 gain of function; Hyper-IgE recurrent infection syndrome 1, autosomal dominant. Last evaluated: 2022-08-09. Review status: criteria provided, single submitter. Criteria: Invitae Variant Classification Sherloc (09022015). Collection method: clinical testing. Allele origin: germline.
Comment: For these reasons, this variant has been classified as Pathogenic. Experimental studies have shown that this variant affects STAT3 function (PMID: 17676033, 26384563, 27799162, 29402895). Algorithms developed to predict the effect of variants on protein structure and function are not available or were not evaluated for this variant. ClinVar contains an entry for this variant (Variation ID: 18303). This variant has been observed in individuals with hyper-IgE syndrome (PMID: 17676033, 21288777, 21792878, 22751495). It has also been observed to segregate with disease in related individuals. This variant is not present in population databases (gnomAD no frequency). This variant, c.1387_1389del, results in the deletion of 1 amino acid(s) of the STAT3 protein (p.Val463del), but otherwise preserves the integrity of the reading frame.

Women's Health and Genetics/Laboratory Corporation of America, LabCorp
Classification: Pathogenic for Hyper-IgE recurrent infection syndrome 1, autosomal dominant. Last evaluated: 2022-08-05. Review status: criteria provided, single submitter. Criteria: LabCorp Variant Classification Summary - May 2015. Collection method: clinical testing. Allele origin: germline.
Comment: Variant summary: STAT3 c.1387_1389delGTG (p.Val463del) results in an in-frame deletion that removes Val463 from the DNA-binding domain of the encoded protein. The variant was absent in 251120 control chromosomes (gnomAD). c.1387_1389delGTG has been reported in the literature in multiple heterozygous individuals affected with Hyper IgE Syndrome, including several cases where it was confirmed to be a de novo variant (e.g. Minegishi_2007, Giacomelli_2011, Heimall_2011). These data indicate that the variant is very likely to be associated with disease. Furthermore, experimental studies have shown that the variant has a dominant-negative effect on wild-type STAT3 and diminished DNA-binding activity of STAT3 (e.g. Minegishi_2007, Okada_2018). Three clinical diagnostic laboratories have submitted clinical-significance assessments for this variant to ClinVar after 2014 and all classified the variant as pathogenic. Based on the evidence outlined above, the variant was classified as pathogenic.

GeneDx
Classification: Pathogenic. Last evaluated: 2016-07-14. Review status: criteria provided, single submitter. Criteria: GeneDx Variant Classification (06012015). Collection method: clinical testing. Allele origin: germline. Affected: yes.
Comment: The c.1387_1389delGTG variant has been published previosuly in association with hyper-IgE syndrome, including de novo occurrences (Minegishi et al., 2007; Woellner et al., 2010; Heimall et al., 2011; Giacomelli et al., 2011). The variant was not observed in approximately 6,500 individuals of European and African American ancestry in the NHLBI Exome Sequencing Project, indicating it is not a common benign variant in these populations. The variant results in an in-frame deletion of the Valine at residue 463, denoted p.Val463del. The deleted Valine is a conserved residue located in the DNA-binding domain of STAT3 (Minegishi et al., 2007), and in silico analysis predicts this variant is probably damaging to the protein structure/function. Additionally, functional studies have shown that c.1387_1389delGTG results in impaired DNA binding and regulatory activity of the STAT3 protein (Minegishi et al., 2007; Xu et al., 2015). Therefore, we consider this variant to be pathogenic.

OMIM
Classification: Pathogenic for HYPER-IgE SYNDROME 1, AUTOSOMAL DOMINANT, WITH RECURRENT INFECTIONS. Last evaluated: 2007-10-18. Review status: no assertion criteria provided. Collection method: literature only. Allele origin: germline. Not counted in ClinVar's aggregate classification.

GeneReviews
No classification provided. Condition: Hyper-IgE recurrent infection syndrome 1, autosomal dominant. Review status: no classification provided. Collection method: literature only. Allele origin: germline. Not counted in ClinVar's aggregate classification.

Literature cited by the submitters: PubMed 17676033 (cited by 3 submitters); PubMed 26384563 (cited by Labcorp Genetics (formerly Invitae), Labcorp); PubMed 27799162 (cited by Labcorp Genetics (formerly Invitae), Labcorp); PubMed 29402895 (cited by Labcorp Genetics (formerly Invitae), Labcorp and Women's Health and Genetics/Laboratory Corporation of America, LabCorp); PubMed 21288777 (cited by Labcorp Genetics (formerly Invitae), Labcorp and Women's Health and Genetics/Laboratory Corporation of America, LabCorp); PubMed 21792878 (cited by Labcorp Genetics (formerly Invitae), Labcorp and Women's Health and Genetics/Laboratory Corporation of America, LabCorp); PubMed 22751495 (cited by Labcorp Genetics (formerly Invitae), Labcorp); PubMed 17881745 (cited by OMIM and GeneReviews); PubMed 20301786 (cited by GeneReviews).